The following is an entry in ClinVar:

ClinVar aggregate classification (germline): Likely pathogenic. Review status: criteria provided, multiple submitters, no conflicts (2 of 4 stars). 2 submissions from 2 submitters: Likely pathogenic (2). Last evaluated 2025-06-01.

Conditions:
Haim-Munk syndrome (HMS). Also called: COCHIN JEWISH DISORDER; KERATOSIS PALMOPLANTARIS WITH PERIODONTOPATHIA AND ONYCHOGRYPOSIS. Identifiers: Orphanet 2342, MedGen C1855627, MONDO:0009491, OMIM 245010.
Periodontitis, aggressive. Identifiers: MedGen C0031106, MONDO:0980757.
Papillon-Lefèvre syndrome (PALS). Also called: Papillon-Lefevre Disease; KERATOSIS PALMOPLANTARIS WITH PERIODONTOPATHIA. Identifiers: Orphanet 678, MedGen C0030360, MONDO:0009490, OMIM 245000.

Submissions (2):

CeGaT Center for Human Genetics Tuebingen
Classification: Likely pathogenic. Last evaluated: 2025-06-01. Review status: criteria provided, single submitter. Criteria: CeGaT Center For Human Genetics Tuebingen Variant Classification Criteria Version 2. Collection method: clinical testing. Allele origin: germline. Affected: yes. Observed: 1 variant allele.
Comment: CTSC: PVS1:Strong, PM2, PM3:Supporting, PP4

Labcorp Genetics (formerly Invitae), Labcorp
Classification: Likely pathogenic for Haim-Munk syndrome; Periodontitis, aggressive; Papillon-Lefèvre syndrome. Last evaluated: 2023-06-19. Review status: criteria provided, single submitter. Criteria: Invitae Variant Classification Sherloc (09022015). Collection method: clinical testing. Allele origin: germline.
Comment: In summary, the currently available evidence indicates that the variant is pathogenic, but additional data are needed to prove that conclusively. Therefore, this variant has been classified as Likely Pathogenic. This variant disrupts the C-terminus of the CTSC protein. Other variant(s) that disrupt this region (p.Ser343*, p.Gly350Valfs*10, p.Tyr352*, p.Leu381Serfs*13) have been observed in individuals with CTSC-related conditions (PMID: 1886537, 10593994). This suggests that this may be a clinically significant region of the protein. ClinVar contains an entry for this variant (Variation ID: 575092). This variant is also known as 2673-2674delCT. This variant has not been reported in the literature in individuals affected with CTSC-related conditions. This sequence change creates a premature translational stop signal (p.Gln286Serfs*7) in the CTSC gene. While this is not anticipated to result in nonsense mediated decay, it is expected to disrupt the last 178 amino acid(s) of the CTSC protein. This variant is not present in population databases (gnomAD no frequency).

Literature cited by the submitters: PubMed 1886537 (cited by Labcorp Genetics (formerly Invitae), Labcorp); PubMed 10593994 (cited by Labcorp Genetics (formerly Invitae), Labcorp).

NM_001814.6(CTSC):c.855dup (p.Gln286fs)

Gene: CTSC (cathepsin C; minus strand). Cytogenetic location: 11q14.2.
Variant type: Duplication.
Coding change: c.855dup on transcript NM_001814.6 (MANE Select); coding-DNA position 855, one base duplicated (T; older notation c.855dupT).
Protein change: p.Gln286fs; shifts the reading frame from glutamine 286.
Molecular consequence: frameshift variant.
Genome position (GRCh38, 1-based): chr11:88,296,167, A duplicated on the plus strand (T on the coding strand, the reverse complement: CTSC is on the minus strand). VCF-style (leftmost placement, unchanged base first): chr11-88296166-G-GA. GRCh37 (hg19) VCF-style: chr11-88029334-G-GA.
Other names: c.855dupT (NM_001814.5); short protein forms Q286fs.
Identifiers: ClinVar variation 575092 (VCV000575092.18), dbSNP rs2496532792, ClinGen allele CA891843462.
Genomic context (GRCh38, chr11:88,296,166, plus strand): 5'-AAATGGTGTCTGAAATGCAACACTTACCTTGAGCATACTGGCTACAAGACACAACCTCCT[G>GA]AGGGCTTAGGATTGGGGTCTGAGAATTGTTGGTTAGTATACGGATTCTCGCTTCTAGCAT-3'